The following is an entry in ClinVar:

ClinVar aggregate classification (germline): Uncertain significance (1 of 4 stars; one submission).

Submission:

Labcorp Genetics (formerly Invitae), Labcorp
Classification: Uncertain significance. Last evaluated: 2025-03-13. Review status: criteria provided, single submitter. Criteria: Invitae Variant Classification Sherloc (09022015). Collection method: clinical testing. Allele origin: germline.
Comment: This sequence change affects codon 73 of the MAPKAPK3 mRNA. It is a 'silent' change, meaning that it does not change the encoded amino acid sequence of the MAPKAPK3 protein. This variant also falls at the last nucleotide of exon 4, which is part of the consensus splice site for this exon. This variant is not present in population databases (gnomAD no frequency). This variant has not been reported in the literature in individuals affected with MAPKAPK3-related conditions. ClinVar contains an entry for this variant (Variation ID: 2055939). Variants that disrupt the consensus splice site are a relatively common cause of aberrant splicing (PMID: 17576681, 9536098). Algorithms developed to predict the effect of sequence changes on RNA splicing suggest that this variant may disrupt the consensus splice site. In summary, the available evidence is currently insufficient to determine the role of this variant in disease. Therefore, it has been classified as a Variant of Uncertain Significance.

Literature cited by the submitters: PubMed 17576681; PubMed 9536098.

NM_001243925.2(MAPKAPK3):c.219G>A (p.Lys73=)

Gene: MAPKAPK3 (MAPK activated protein kinase 3; plus strand). Cytogenetic location: 3p21.2.
Variant type: single nucleotide variant.
Coding change: c.219G>A on transcript NM_001243925.2 (MANE Select); coding-DNA position 219, G replaced by A.
Protein change: p.Lys73=; no amino-acid change (lysine 73 retained).
Molecular consequence: synonymous variant.
Genome position (GRCh38, 1-based): chr3:50,617,784, G>A. VCF-style: chr3-50617784-G-A. GRCh37 (hg19) VCF-style: chr3-50655215-G-A.
Other names: c.219G>A, p.Lys73= (NM_001243926.2, NM_004635.5).
Identifiers: ClinVar variation 2055939 (VCV002055939.4), dbSNP rs2471666131, ClinGen allele CA433713191.
Genomic context (GRCh38, chr3:50,617,784, plus strand): 5'-TGTGAACGGCAAAGTGCTGGAGTGCTTCCATCGGCGCACTGGACAGAAGTGTGCCCTGAA[G>A]GTCAGTGAGCCCTCACTGAGGCCTGGGGTATCCTGGAGGGTCCACAGCGGAAGCCTGTGA-3'
Protein context (NP_001230854.1, residues 63-83): HRRTGQKCAL[Lys73=]LLYDSPKARQ